The following is an entry in ClinVar:

NC_000020.10:g.(?_19867314)_(19956451_?)dup

Gene: RIN2 (Ras and Rab interactor 2; plus strand). Cytogenetic location: 20p11.23.
Variant type: Duplication.
Identifiers: ClinVar variation 1441163 (VCV001441163.4).

ClinVar aggregate classification (germline): Uncertain significance (1 of 4 stars; one submission).

Submission:

Labcorp Genetics (formerly Invitae), Labcorp
Classification: Uncertain significance. Last evaluated: 2021-06-05. Review status: criteria provided, single submitter. Criteria: Invitae Variant Classification Sherloc (09022015). Collection method: clinical testing. Allele origin: germline.
Comment: This variant results in a copy number gain of the genomic region encompassing exon(s) 1-7 of the RIN2 gene. This region includes the initiator codon of the gene. The 5' end of this event is unknown as it extends beyond the assayed region for this gene and therefore may encompass additional genes. The 3' boundary is likely confined to intron 7 of the RIN2 gene. As the precise location of this event is unknown, it may be in tandem or it may be located elsewhere in the genome. In summary, the available evidence is currently insufficient to determine the role of this variant in disease. Therefore, it has been classified as a Variant of Uncertain Significance. This variant has not been reported in the literature in individuals with RIN2-related conditions.